The following is an entry in ClinVar:

NC_000005.9:g.(?_138266142)_(138861289_?)dup

Genes: PAIP2 (poly(A) binding protein interacting protein 2; plus strand), PROB1 (proline rich basic protein 1; minus strand), SIL1 (SIL1 nucleotide exchange factor; minus strand), SLC23A1 (solute carrier family 23 member 1; minus strand), SNHG4 (small nucleolar RNA host gene 4; plus strand) and 7 more. Cytogenetic location: 5q31.2.
Variant type: Duplication.
Identifiers: ClinVar variation 2424306 (VCV002424306.5).

ClinVar aggregate classification (germline): Uncertain significance (1 of 4 stars; one submission).

Submission:

Labcorp Genetics (formerly Invitae), Labcorp
Classification: Uncertain significance. Last evaluated: 2022-05-28. Review status: criteria provided, single submitter. Criteria: Invitae Variant Classification Sherloc (09022015). Collection method: clinical testing. Allele origin: germline.
Comment: In summary, the available evidence is currently insufficient to determine the role of this variant in disease. Therefore, it has been classified as a Variant of Uncertain Significance. Experimental studies and prediction algorithms are not available or were not evaluated, and the functional significance of this variant is currently unknown. This variant has not been reported in the literature in individuals affected with CTNNA1-related conditions. This variant results in a copy number gain of the genomic region encompassing exon(s) 15-18 of the CTNNA1 gene. This region includes the termination codon of the gene. This copy number gain extends beyond the assayed region for this gene and therefore may encompass additional genes. As the precise location of this event is unknown, it may be in tandem or it may be located elsewhere in the genome.